The following is an entry in ClinVar:

NM_005902.4(SMAD3):c.1153dup (p.Arg385fs)

Gene: SMAD3 (SMAD family member 3; plus strand). Cytogenetic location: 15q22.33.
Variant type: Duplication.
Coding change: c.1153dup on transcript NM_005902.4 (MANE Select); coding-DNA position 1153, one base duplicated (A; older notation c.1153dupA).
Protein change: p.Arg385fs; shifts the reading frame from arginine 385.
Molecular consequence: frameshift variant.
Genome position (GRCh38, 1-based): chr15:67,187,508, A duplicated. VCF-style (leftmost placement, unchanged base first): chr15-67187507-C-CA. GRCh37 (hg19) VCF-style: chr15-67479845-C-CA.
Other names: c.838dup, p.Arg280fs (NM_001145102.2); c.1021dup, p.Arg341fs (NM_001145103.2); c.568dup, p.Arg190fs (NM_001145104.2); c.1153dupA (NM_005902.3); short protein forms R190fs, R280fs, R341fs, R385fs.
Identifiers: ClinVar variation 582880 (VCV000582880.6), dbSNP rs1567003613, ClinGen allele CA891843530.

ClinVar aggregate classification (germline): Pathogenic (1 of 4 stars; one submission).

Conditions:
Familial thoracic aortic aneurysm and aortic dissection (TAAD). Also called: Thoracic aortic aneurysms and dissections. Identifiers: Orphanet 91387, MedGen C4707243, MONDO:0019625.

Submission:

Labcorp Genetics (formerly Invitae), Labcorp
Classification: Pathogenic for Familial thoracic aortic aneurysm and aortic dissection. Last evaluated: 2022-07-05. Review status: criteria provided, single submitter. Criteria: Invitae Variant Classification Sherloc (09022015). Collection method: clinical testing. Allele origin: germline.
Comment: ClinVar contains an entry for this variant (Variation ID: 582880). This variant has not been reported in the literature in individuals affected with SMAD3-related conditions. This variant is not present in population databases (gnomAD no frequency). This sequence change creates a premature translational stop signal (p.Arg385Lysfs*13) in the SMAD3 gene. While this is not anticipated to result in nonsense mediated decay, it is expected to disrupt the last 41 amino acid(s) of the SMAD3 protein. This variant disrupts a region of the SMAD3 protein in which other variant(s) (p.Trp406*) have been determined to be pathogenic (PMID: 30661052; Invitae). This suggests that this is a clinically significant region of the protein, and that variants that disrupt it are likely to be disease-causing. For these reasons, this variant has been classified as Pathogenic.

Literature cited by the submitters: PubMed 30661052.